The following is an entry in ClinVar:

NM_001042492.3(NF1):c.338T>G (p.Leu113Trp)

Gene: NF1 (neurofibromin 1; plus strand). Cytogenetic location: 17q11.2.
Variant type: single nucleotide variant.
Coding change: c.338T>G on transcript NM_001042492.3 (MANE Select); coding-DNA position 338, T replaced by G.
Protein change: p.Leu113Trp; replaces leucine 113 with tryptophan.
Molecular consequence: missense variant.
Genome position (GRCh38, 1-based): chr17:31,163,235, T>G. VCF-style: chr17-31163235-T-G. GRCh37 (hg19) VCF-style: chr17-29490253-T-G.
Other names: c.338T>G, p.Leu113Trp (NM_000267.4, NM_001128147.3); short protein forms L113W.
Identifiers: ClinVar variation 4861002 (VCV004861002.1).

ClinVar aggregate classification (germline): Uncertain significance (1 of 4 stars; one submission).

Conditions:
Cardiovascular phenotype. Identifiers: MedGen CN230736.
Hereditary cancer-predisposing syndrome. Also called: Neoplastic Syndromes, Hereditary; Tumor predisposition; Hereditary Cancer Syndrome; Hereditary neoplastic syndrome. Identifiers: Orphanet 140162, MedGen C0027672, MeSH D009386, MONDO:0015356.

Submission:

Ambry Genetics
Classification: Uncertain significance for Cardiovascular phenotype; Hereditary cancer-predisposing syndrome. Last evaluated: 2026-06-13. Review status: criteria provided, single submitter. Criteria: Ambry Variant Classification Scheme 2023. Collection method: clinical testing. Allele origin: germline.
Comment: The p.L113W variant (also known as c.338T>G), located in coding exon 4 of the NF1 gene, results from a T to G substitution at nucleotide position 338. The leucine at codon 113 is replaced by tryptophan, an amino acid with similar properties. This amino acid position is conserved. In addition, this alteration is predicted to be deleterious by in silico analysis. Based on the available evidence, the clinical significance of this variant remains unclear.